The following is an entry in ClinVar:

NM_001365276.2(TNXB):c.8483C>T (p.Ala2828Val)

Gene: TNXB (tenascin XB; minus strand). Cytogenetic location: 6p21.33.
Variant type: single nucleotide variant.
Coding change: c.8483C>T on transcript NM_001365276.2 (MANE Select); coding-DNA position 8483, C replaced by T.
Protein change: p.Ala2828Val; replaces alanine 2828 with valine.
Molecular consequence: missense variant.
Genome position (GRCh38, 1-based): chr6:32,053,696, G>A on the plus strand (C>T on the coding strand, the complement: TNXB is on the minus strand). VCF-style: chr6-32053696-G-A. GRCh37 (hg19) VCF-style: chr6-32021473-G-A.
Other names: c.8477C>T, p.Ala2826Val (NM_019105.8); short protein forms A2826V, A2828V.
Identifiers: ClinVar variation 1313227 (VCV001313227.2), dbSNP rs771273359, ClinGen allele CA3733820.

ClinVar aggregate classification (germline): Uncertain significance (1 of 4 stars; one submission).

Allele frequency attached by ClinVar (database versions not stated): TOPMed below 0.00001; gnomAD exomes 0.00001 and 0.00002; ExAC 0.00003.
gnomAD v4.1: 14 of 1,612,362 alleles (0.00087%); highest among the groups gnomAD compares: South Asian, 0.013%; no homozygotes.

Submission:

GeneDx
Classification: Uncertain significance. Last evaluated: 2020-03-12. Review status: criteria provided, single submitter. Criteria: GeneDx Variant Classification Process June 2021. Collection method: clinical testing. Allele origin: germline. Affected: yes.
Comment: Has not been previously published as pathogenic or benign to our knowledge; In silico analysis supports that this missense variant does not alter protein structure/function